The following is an entry in ClinVar:

NM_002235.5(KCNA6):c.1180G>C (p.Val394Leu)

Genes: KCNA6 (potassium voltage-gated channel subfamily A member 6; plus strand), KCNA6-AS1 (KCNA6 antisense RNA 1; minus strand). Cytogenetic location: 12p13.32.
Variant type: single nucleotide variant.
Coding change: c.1180G>C on transcript NM_002235.5 (MANE Select); coding-DNA position 1180, G replaced by C.
Protein change: p.Val394Leu; replaces valine 394 with leucine.
Molecular consequence: missense variant. On other transcripts: non-coding transcript variant (3).
Genome position (GRCh38, 1-based): chr12:4,811,221, G>C. VCF-style: chr12-4811221-G-C. GRCh37 (hg19) VCF-style: chr12-4920387-G-C.
Other names: short protein forms V394L.
Identifiers: ClinVar variation 4077309 (VCV004077309.2).

ClinVar aggregate classification (germline): Uncertain significance. Review status: criteria provided, multiple submitters, no conflicts (2 of 4 stars). 2 submissions from 2 submitters: Uncertain significance (2). Last evaluated 2025-08-20.

Conditions:
Inborn genetic diseases. Identifiers: MedGen C0950123, MeSH D030342.

gnomAD v4.1: 1 of 1,614,086 alleles (0.000062%); highest among the groups gnomAD compares: African/African-American, 0.0013%; no homozygotes.

Submissions (2):

Ambry Genetics
Classification: Uncertain significance for Inborn genetic diseases. Last evaluated: 2025-08-20. Review status: criteria provided, single submitter. Criteria: Ambry Variant Classification Scheme 2023. Collection method: clinical testing. Allele origin: germline.

GeneDx
Classification: Uncertain significance. Last evaluated: 2025-02-28. Review status: criteria provided, single submitter. Criteria: GeneDx Variant Classification Process June 2021. Collection method: clinical testing. Allele origin: germline. Affected: yes.
Comment: Not observed at significant frequency in large population cohorts (gnomAD); In silico analysis supports that this missense variant has a deleterious effect on protein structure/function; Has not been previously published as pathogenic or benign to our knowledge